The following is an entry in ClinVar:

NM_001291088.2(WDR87):c.2887C>T (p.Arg963Cys)

Gene: WDR87 (WD repeat domain 87; minus strand). Cytogenetic location: 19q13.13.
Variant type: single nucleotide variant.
Coding change: c.2887C>T on transcript NM_001291088.2 (MANE Select); coding-DNA position 2887, C replaced by T.
Protein change: p.Arg963Cys; replaces arginine 963 with cysteine.
Molecular consequence: missense variant.
Genome position (GRCh38, 1-based): chr19:37,892,816, G>A on the plus strand (C>T on the coding strand, the complement: WDR87 is on the minus strand). VCF-style: chr19-37892816-G-A. GRCh37 (hg19) VCF-style: chr19-38383456-G-A.
Other names: c.2770C>T, p.Arg924Cys (NM_031951.5); short protein forms R924C, R963C.
Identifiers: ClinVar variation 2283201 (VCV002283201.4), dbSNP rs372506795, ClinGen allele CA9408774.
Genomic context (GRCh38, chr19:37,892,816, plus strand): 5'-CTTCCCAAGCTAGTTCTCGGATCAGCGGGTTGGAATTGGTTGTATCATTCAGTAGCCGAC[G>A]GGCTGTCTCAGAGCGTAGGGCTGGGGACACCTGGTAAGAGGCAAAGATTTGCCCTAGTGC-3'
Protein context (NP_001278017.1, residues 953-973): VSPALRSETA[Arg963Cys]RLLNDTTNSN

ClinVar aggregate classification (germline): Uncertain significance. Review status: criteria provided, multiple submitters, no conflicts (2 of 4 stars). 2 submissions from 2 submitters: Uncertain significance (2). Last evaluated 2025-04-21.

Allele frequency attached by ClinVar (database versions not stated): 1000 Genomes Project 30x 0.00016; ExAC 0.00018; 1000 Genomes Project 0.00020.
gnomAD v4.1: 146 of 1,551,748 alleles (0.0094%); highest among the groups gnomAD compares: East Asian, 0.076%; 1 homozygote.

Submissions (2):

Labcorp Genetics (formerly Invitae), Labcorp
Classification: Uncertain significance. Last evaluated: 2025-04-21. Review status: criteria provided, single submitter. Criteria: Invitae Variant Classification Sherloc (09022015). Collection method: clinical testing. Allele origin: germline.
Comment: This sequence change replaces arginine, which is basic and polar, with cysteine, which is neutral and slightly polar, at codon 924 of the WDR87 protein (p.Arg924Cys). This variant is present in population databases (rs372506795, gnomAD 0.2%), and has an allele count higher than expected for a pathogenic variant. This variant has not been reported in the literature in individuals affected with WDR87-related conditions. ClinVar contains an entry for this variant (Variation ID: 2283201). An algorithm developed to predict the effect of missense changes on protein structure and function (PolyPhen-2) suggests that this variant is likely to be disruptive. In summary, the available evidence is currently insufficient to determine the role of this variant in disease. Therefore, it has been classified as a Variant of Uncertain Significance.

Ambry Genetics
Classification: Uncertain significance. Last evaluated: 2025-02-07. Review status: criteria provided, single submitter. Criteria: Ambry Variant Classification Scheme 2023. Collection method: clinical testing. Allele origin: germline.